The following is an entry in ClinVar:

NM_001166108.2(PALLD):c.*33C>A

Genes: CBR4 (carbonyl reductase 4; minus strand), PALLD (palladin, cytoskeletal associated protein; plus strand). Cytogenetic location: 4q32.3.
Variant type: single nucleotide variant.
Coding change: c.*33C>A on transcript NM_001166108.2 (MANE Select); 33 bases downstream of the stop codon, C replaced by A.
Molecular consequence: 3 prime UTR variant. On other transcripts: missense variant (4).
Genome position (GRCh38, 1-based): chr4:168,926,213, C>A. VCF-style: chr4-168926213-C-A. GRCh37 (hg19) VCF-style: chr4-169847364-C-A.
Other names: c.1847C>A (NM_001166110.1); c.2162C>A, p.Thr721Asn (NM_001166109.2); c.1847C>A, p.Thr616Asn (NM_001166110.2); c.*33C>A (NM_001367567.1, NM_001367570.1, NM_016081.4); c.1238C>A, p.Thr413Asn (NM_001367568.1); c.1187C>A, p.Thr396Asn (NM_001367569.1); short protein forms T396N, T413N, T616N, T721N.
Identifiers: ClinVar variation 1051047 (VCV001051047.10), dbSNP rs569054006, ClinGen allele CA109864650.

ClinVar aggregate classification (germline): Uncertain significance. Review status: criteria provided, multiple submitters, no conflicts (2 of 4 stars). 2 submissions from 2 submitters: Uncertain significance (2). Last evaluated 2025-02-21.

Conditions:
Pancreatic adenocarcinoma. Identifiers: MedGen C0281361, MONDO:0006047, HP:0006725.

Allele frequency attached by ClinVar (database versions not stated): TOPMed below 0.00001; gnomAD exomes 0.00001; 1000 Genomes Project 0.00020.
gnomAD v4.1: 4 of 1,527,184 alleles (0.00026%); highest among the groups gnomAD compares: South Asian, 0.0024%; no homozygotes.

Submissions (2):

Ambry Genetics
Classification: Uncertain significance. Last evaluated: 2025-02-21. Review status: criteria provided, single submitter. Criteria: Ambry Variant Classification Scheme 2023. Collection method: clinical testing. Allele origin: germline.
Comment: The p.T616N variant (also known as c.1847C>A) is located in coding exon 11 of the PALLD gene. The threonine at codon 616 is replaced by asparagine, an amino acid with similar properties. This change occurs in the first base pair of coding exon 11. This amino acid position is conserved. In addition, this alteration is predicted to be tolerated by in silico analysis. Based on the available evidence, the clinical significance of this variant remains unclear.

Labcorp Genetics (formerly Invitae), Labcorp
Classification: Uncertain significance for Pancreatic adenocarcinoma. Last evaluated: 2023-05-13. Review status: criteria provided, single submitter. Criteria: Invitae Variant Classification Sherloc (09022015). Collection method: clinical testing. Allele origin: germline.
Comment: An algorithm developed to predict the effect of missense changes on protein structure and function (PolyPhen-2) suggests that this variant is likely to be tolerated. ClinVar contains an entry for this variant (Variation ID: 1051047). This variant has not been reported in the literature in individuals affected with PALLD-related conditions. This variant is present in population databases (rs569054006, gnomAD 0.005%). This sequence change replaces threonine, which is neutral and polar, with asparagine, which is neutral and polar, at codon 616 of the PALLD protein (p.Thr616Asn). In summary, the available evidence is currently insufficient to determine the role of this variant in disease. Therefore, it has been classified as a Variant of Uncertain Significance.